The following is an entry in ClinVar:

NM_015166.4(MLC1):c.423+108A>G

Gene: MLC1 (modulator of VRAC current 1; minus strand). Cytogenetic location: 22q13.33.
Variant type: single nucleotide variant.
Coding change: c.423+108A>G on transcript NM_015166.4 (MANE Select); 108 bases into the intron after coding-DNA position 423, A replaced by G.
Molecular consequence: intron variant.
Genome position (GRCh38, 1-based): chr22:50,079,810, T>C on the plus strand (A>G on the coding strand, the complement: MLC1 is on the minus strand). VCF-style: chr22-50079810-T-C. GRCh37 (hg19) VCF-style: chr22-50518239-T-C.
Other names: c.423+108A>G (NM_001376474.1, NM_001376475.1, NM_001376476.1 and 6 more transcripts); c.186+108A>G (NM_001376484.1); c.333+108A>G (NM_001376480.1); c.268-2308A>G (NM_001376482.1, NM_001376483.1); c.321+534A>G (NM_001376481.1).
Identifiers: ClinVar variation 1165671 (VCV001165671.11), dbSNP rs2235349, ClinGen allele CA14962955.

ClinVar aggregate classification (germline): Benign. Review status: criteria provided, multiple submitters, no conflicts (2 of 4 stars). 3 submissions from 3 submitters: Benign (3). Last evaluated 2025-06-03.

Allele frequency attached by ClinVar (database versions not stated): gnomAD 0.21264 and 0.21870; TOPMed 0.22568; 1000 Genomes Project 0.24281; 1000 Genomes Project 30x 0.24407; gnomAD exomes 0.25590.

Submissions (3):

Labcorp Genetics (formerly Invitae), Labcorp
Classification: Benign. Last evaluated: 2025-06-03. Review status: criteria provided, single submitter. Criteria: Invitae Variant Classification Sherloc (09022015). Collection method: clinical testing. Allele origin: germline.

GeneDx
Classification: Benign. Last evaluated: 2018-11-12. Review status: criteria provided, single submitter. Criteria: GeneDx Variant Classification Process June 2021. Collection method: clinical testing. Allele origin: germline. Affected: yes.
Comment: This variant is associated with the following publications: (PMID: 15992519, 17210142)

Breakthrough Genomics
Classification: Benign. Review status: criteria provided, single submitter. Criteria: ACMG Guidelines, 2015. Collection method: not provided. Allele origin: germline. Inheritance: Autosomal recessive inheritance. Affected: yes.